The following is an entry in ClinVar:

NM_201384.3(PLEC):c.6667C>T (p.Arg2223Cys)

Gene: PLEC (plectin; minus strand). Cytogenetic location: 8q24.3.
Variant type: single nucleotide variant.
Coding change: c.6667C>T on transcript NM_201384.3 (MANE Select); coding-DNA position 6667, C replaced by T.
Protein change: p.Arg2223Cys; replaces arginine 2223 with cysteine.
Molecular consequence: missense variant.
Genome position (GRCh38, 1-based): chr8:143,923,262, G>A on the plus strand (C>T on the coding strand, the complement: PLEC is on the minus strand). VCF-style: chr8-143923262-G-A. GRCh37 (hg19) VCF-style: chr8-144997430-G-A.
Other names: c.6748C>T, p.Arg2250Cys (NM_000445.5); c.6625C>T, p.Arg2209Cys (NM_201378.4); c.6601C>T, p.Arg2201Cys (NM_201379.3); c.7078C>T, p.Arg2360Cys (NM_201380.4); c.6571C>T, p.Arg2191Cys (NM_201381.3); c.6667C>T, p.Arg2223Cys (NM_201382.4); c.6679C>T, p.Arg2227Cys (NM_201383.3); c.6748C>T (NM_000445.4); short protein forms R2191C, R2201C, R2209C, R2223C, R2227C, R2250C, R2360C.
Identifiers: ClinVar variation 505388 (VCV000505388.12), dbSNP rs200620255, ClinGen allele CA4925906.

ClinVar aggregate classification (germline): Uncertain significance. Review status: criteria provided, multiple submitters, no conflicts (2 of 4 stars). 3 submissions from 3 submitters: Uncertain significance (2). 1 of the submissions does not count toward it. Last evaluated 2025-06-17.

Conditions:
Epidermolysis bullosa simplex 5C, with pyloric atresia (EBS5C). Also called: PLEC-Related Epidermolysis Bullosa with Pyloric Atresia; Epidermolysis bullosa simplex with pyloric atresia; PLEC1-Related Epidermolysis Bullosa with Pyloric Atresia. Identifiers: Orphanet 158684, MedGen C2677349, MONDO:0012807, OMIM 612138.
Epidermolysis bullosa simplex with nail dystrophy (EBS5D). Identifiers: MedGen C4225309, MONDO:0014661, OMIM 616487.
Epidermolysis bullosa simplex, Ogna type (EBS5A). Also called: Pidermolysis bullosa simplex 5A, Ogna type; EPIDERMOLYSIS BULLOSA SIMPLEX 5A, OGNA TYPE. Identifiers: Orphanet 79401, MedGen C0432317, MONDO:0007555, OMIM 131950.
Autosomal recessive limb-girdle muscular dystrophy type 2Q (LGMDR17). Also called: MUSCULAR DYSTROPHY, LIMB-GIRDLE, AUTOSOMAL RECESSIVE 17. Identifiers: Orphanet 254361, MedGen C3150989, MONDO:0013390, OMIM 613723.
Epidermolysis bullosa simplex 5B, with muscular dystrophy (EBS5B). Also called: EPIDERMOLYSIS BULLOSA SIMPLEX AND LIMB-GIRDLE MUSCULAR DYSTROPHY; Epidermolysis bullosa simplex with muscular dystrophy. Identifiers: Orphanet 257, MedGen C2931072, MONDO:0009181, OMIM 226670.
PLEC-related disorder. Also called: PLEC-related condition; PLEC-related disorders.

Allele frequency attached by ClinVar (database versions not stated): TOPMed 0.00003; gnomAD 0.00004 and 0.00005; gnomAD exomes 0.00005 and 0.00007; ExAC 0.00008; 1000 Genomes Project 30x 0.00016; 1000 Genomes Project 0.00020.
gnomAD v4.1: 101 of 1,605,866 alleles (0.0063%); highest among the groups gnomAD compares: South Asian, 0.03%; no homozygotes.

Submissions (3):

Labcorp Genetics (formerly Invitae), Labcorp
Classification: Uncertain significance for Autosomal recessive limb-girdle muscular dystrophy type 2Q; Epidermolysis bullosa simplex, Ogna type; Epidermolysis bullosa simplex with nail dystrophy; Epidermolysis bullosa simplex 5C, with pyloric atresia; Epidermolysis bullosa simplex 5B, with muscular dystrophy. Last evaluated: 2025-06-17. Review status: criteria provided, single submitter. Criteria: Invitae Variant Classification Sherloc (09022015). Collection method: clinical testing. Allele origin: germline.
Comment: This sequence change replaces arginine, which is basic and polar, with cysteine, which is neutral and slightly polar, at codon 2250 of the PLEC protein (p.Arg2250Cys). This variant is present in population databases (rs200620255, gnomAD 0.03%). This variant has not been reported in the literature in individuals affected with PLEC-related conditions. ClinVar contains an entry for this variant (Variation ID: 505388). An algorithm developed to predict the effect of missense changes on protein structure and function (PolyPhen-2) suggests that this variant is likely to be disruptive. In summary, the available evidence is currently insufficient to determine the role of this variant in disease. Therefore, it has been classified as a Variant of Uncertain Significance.

Laboratory for Molecular Medicine, Mass General Brigham Personalized Medicine
Classification: Uncertain significance. Last evaluated: 2016-12-13. Review status: criteria provided, single submitter. Criteria: LMM Criteria. Collection method: clinical testing. Allele origin: germline. Observed: 1 variant allele.
Comment: The p.Arg2360Cys variant in PLEC has not been previously reported in individuals with myopathy, but has been identified in 6/15984 South Asian chromosomes by th e Exome Aggregation Consortium (ExAC; dbSNP rs20 0620255). Computational tools predict that this variant may impact the protein; however, arginine (Arg) at position 2360 is not well conserved in evolution with some species (black flying fox, megabat) having the variant amino acid, raising the possibility that this change may be tolerated. In summary, the clinical si gnificance of the p.Arg2360Cys variant is uncertain.

PreventionGenetics, part of Exact Sciences
Classification: Uncertain significance for PLEC-related condition. Last evaluated: 2023-12-27. Review status: no assertion criteria provided. Collection method: clinical testing. Allele origin: germline. Not counted in ClinVar's aggregate classification.
Comment: The PLEC c.6748C>T variant is predicted to result in the amino acid substitution p.Arg2250Cys. To our knowledge, this variant has not been reported in the literature. This variant is reported in 0.026% of alleles in individuals of South Asian descent in gnomAD. At this time, the clinical significance of this variant is uncertain due to the absence of conclusive functional and genetic evidence.